The following is an entry in ClinVar:

ClinVar aggregate classification (germline): Pathogenic (1 of 4 stars; one submission).

Conditions:
ALG12-congenital disorder of glycosylation (CDG1G). Also called: Congenital disorder of glycosylation, type Ig; CDG Ig; ALG12-CDG. Identifiers: Orphanet 79324, MedGen C2931001, MONDO:0011783, OMIM 607143.

Submission:

Labcorp Genetics (formerly Invitae), Labcorp
Classification: Pathogenic for ALG12-congenital disorder of glycosylation. Last evaluated: 2020-02-27. Review status: criteria provided, single submitter. Criteria: Invitae Variant Classification Sherloc (09022015). Collection method: clinical testing. Allele origin: germline.
Comment: A gross deletion of the genomic region encompassing the full coding sequence of the ALG12 gene has been identified. The boundaries of this event are unknown as the deletion extends beyond the assayed region for this gene and therefore may encompass additional genes. This variant has not been reported in the literature in individuals with ALG12-related conditions. Loss-of-function variants in ALG12 are known to be pathogenic (PMID: 15639192, 31481313). For these reasons, this variant has been classified as Pathogenic.

Literature cited by the submitters: PubMed 15639192; PubMed 31481313.

NC_000022.10:g.(?_50297466)_(51066227_?)del

Genes: PLXNB2 (plexin B2; minus strand), MIOX (myo-inositol oxygenase; plus strand), TRABD (TraB domain containing; plus strand), DENND6B (DENN domain containing 6B; minus strand), ARSA (arylsulfatase A; minus strand) and 26 more. Cytogenetic location: 22q13.33.
Variant type: Deletion.
Identifiers: ClinVar variation 1071720 (VCV001071720.1).